The following is an entry in ClinVar:

NM_000492.4(CFTR):c.2407A>T (p.Thr803Ser)

Gene: CFTR (CF transmembrane conductance regulator; plus strand). Cytogenetic location: 7q31.2.
Variant type: single nucleotide variant.
Coding change: c.2407A>T on transcript NM_000492.4 (MANE Select); coding-DNA position 2407, A replaced by T.
Protein change: p.Thr803Ser; replaces threonine 803 with serine.
Molecular consequence: missense variant.
Genome position (GRCh38, 1-based): chr7:117,592,574, A>T. VCF-style: chr7-117592574-A-T. GRCh37 (hg19) VCF-style: chr7-117232628-A-T.
Other names: short protein forms T803S.
Identifiers: ClinVar variation 928982 (VCV000928982.4), dbSNP rs1792049314, ClinGen allele CA368981161.

ClinVar aggregate classification (germline): Uncertain significance. Review status: criteria provided, multiple submitters, no conflicts (2 of 4 stars). 4 submissions from 4 submitters: Uncertain significance (3). 1 of the submissions does not count toward it. Last evaluated 2025-04-06.

Conditions:
Cystic fibrosis (CF). Also called: MUCOVISCIDOSIS. Identifiers: Orphanet 586, MedGen C0010674, MONDO:0009061, OMIM 219700. Disease mechanism: loss of function.
CFTR-related disorder (CFTR-RD). Also called: CFTR-related disorders; CFTR-related condition. Identifiers: MedGen C5924204, MONDO:7770004.

Submissions (4):

Labcorp Genetics (formerly Invitae), Labcorp
Classification: Uncertain significance for Cystic fibrosis. Last evaluated: 2025-04-06. Review status: criteria provided, single submitter. Criteria: Invitae Variant Classification Sherloc (09022015). Collection method: clinical testing. Allele origin: germline.
Comment: This sequence change replaces threonine, which is neutral and polar, with serine, which is neutral and polar, at codon 803 of the CFTR protein (p.Thr803Ser). This variant is not present in population databases (gnomAD no frequency). This variant has not been reported in the literature in individuals affected with CFTR-related conditions. ClinVar contains an entry for this variant (Variation ID: 928982). Invitae Evidence Modeling of protein sequence and biophysical properties (such as structural, functional, and spatial information, amino acid conservation, physicochemical variation, residue mobility, and thermodynamic stability) indicates that this missense variant is not expected to disrupt CFTR protein function with a negative predictive value of 80%. In summary, the available evidence is currently insufficient to determine the role of this variant in disease. Therefore, it has been classified as a Variant of Uncertain Significance.

Ambry Genetics
Classification: Uncertain significance for Cystic fibrosis. Last evaluated: 2024-09-08. Review status: criteria provided, single submitter. Criteria: Ambry Variant Classification Scheme 2023. Collection method: clinical testing. Allele origin: germline.
Comment: The p.T803S variant (also known as c.2407A>T), located in coding exon 14 of the CFTR gene, results from an A to T substitution at nucleotide position 2407. The threonine at codon 803 is replaced by serine, an amino acid with similar properties. This amino acid position is conserved. In addition, this alteration is predicted to be tolerated by in silico analysis. Based on the available evidence, the clinical significance of this variant remains unclear.

Women's Health and Genetics/Laboratory Corporation of America, LabCorp
Classification: Uncertain significance. Last evaluated: 2019-01-10. Review status: criteria provided, single submitter. Criteria: LabCorp Variant Classification Summary - May 2015. Collection method: clinical testing. Allele origin: germline.
Comment: Variant summary: The variant, CFTR c.2407A>T (p.Thr803Ser) results in a conservative amino acid change located in the CFTR regulator domain of the encoded protein sequence. Five of five in-silico tools predict a benign effect of the variant on protein function. The variant was absent in 175662 control chromosomes (gnomAD). The available data on variant occurrences in the general population are insufficient to allow any conclusion about variant significance. To our knowledge, no occurrence of c.2407A>T in individuals affected with Cystic Fibrosis and no experimental evidence demonstrating its impact on protein function have been reported. No clinical diagnostic laboratories have submitted clinical-significance assessments for this variant to ClinVar after 2014. Based on the evidence outlined above, the variant was classified as uncertain significance.

Natera, Inc.
Classification: Uncertain significance for CFTR-related disorders. Last evaluated: 2018-08-03. Review status: no assertion criteria provided. Collection method: clinical testing. Allele origin: germline. Not counted in ClinVar's aggregate classification.